The following is an entry in ClinVar:

ClinVar aggregate classification (germline): Conflicting classifications of pathogenicity. Review status: criteria provided, conflicting classifications (1 of 4 stars). 14 submissions from 14 submitters: Uncertain significance (5); Benign (1); Likely benign (5). 3 of the submissions do not count toward it. Last evaluated 2026-01-22.

Conditions:
FGD4-related disorder. Also called: FGD4-related condition.
Inborn genetic diseases. Identifiers: MedGen C0950123, MeSH D030342.
Charcot-Marie-Tooth disease type 4. Also called: Charcot-Marie-Tooth, Type 4; Charcot-Marie-Tooth disease, type IV. Identifiers: Orphanet 64749, MedGen C4082197, MONDO:0018995.
Charcot-Marie-Tooth disease type 4H (CMT4H). Also called: CHARCOT-MARIE-TOOTH DISEASE, AUTOSOMAL RECESSIVE, TYPE 4H; CHARCOT-MARIE-TOOTH DISEASE, DEMYELINATING, AUTOSOMAL RECESSIVE, TYPE 4H; CHARCOT-MARIE-TOOTH NEUROPATHY, TYPE 4H; CHARCOT-MARIE-TOOTH DISEASE, DEMYELINATING, TYPE 4H. Identifiers: Orphanet 99954, MedGen C1836336, MONDO:0012250, OMIM 609311.

Allele frequency attached by ClinVar (database versions not stated): ESP Exome Variant Server 0.00115; TOPMed 0.00124; 1000 Genomes Project 30x 0.00125; ExAC 0.00131; gnomAD 0.00131; 1000 Genomes Project 0.00140.
gnomAD v4.1: 2,420 of 1,614,180 alleles (0.15%); highest among the groups gnomAD compares: Middle Eastern, 2%; 7 homozygotes.

Submissions (14):

Labcorp Genetics (formerly Invitae), Labcorp
Classification: Likely benign for Charcot-Marie-Tooth disease type 4. Last evaluated: 2026-01-22. Review status: criteria provided, single submitter. Criteria: Invitae Variant Classification Sherloc (09022015). Collection method: clinical testing. Allele origin: germline.

CeGaT Center for Human Genetics Tuebingen
Classification: Benign. Last evaluated: 2025-12-01. Review status: criteria provided, single submitter. Criteria: CeGaT Center For Human Genetics Tuebingen Variant Classification Criteria Version 2. Collection method: clinical testing. Allele origin: germline. Affected: yes. Observed: 6 variant alleles.
Comment: FGD4: BS1, BS2

Women's Health and Genetics/Laboratory Corporation of America, LabCorp
Classification: Likely benign. Last evaluated: 2025-09-03. Review status: criteria provided, single submitter. Criteria: LabCorp Variant Classification Summary - May 2015. Collection method: clinical testing. Allele origin: germline.
Comment: Variant summary: FGD4 c.2149G>A (p.Val717Met) results in a conservative amino acid change in the encoded protein sequence. Algorithms developed to predict the effect of missense changes on protein structure and function are either unavailable or do not agree on the potential impact of this missense change. The variant allele was found at a frequency of 0.0012 in 251240 control chromosomes, predominantly at a frequency of 0.002 within the Non-Finnish European subpopulation in the gnomAD database. The observed variant frequency within Non-Finnish European control individuals in the gnomAD database exceeds the estimated maximal expected allele frequency for disease-causing variants in FGD4. To our knowledge, no experimental evidence demonstrating this variant's impact on protein function has been reported. ClinVar contains an entry for this variant (Variation ID: 188373). Based on the evidence outlined above, the variant was classified as likely benign.

Athena Diagnostics
Classification: Likely benign. Last evaluated: 2025-06-05. Review status: criteria provided, single submitter. Criteria: Athena Diagnostics Criteria. Collection method: clinical testing. Allele origin: unknown.
Comment: The frequency of this variant in the general population is higher than would generally be expected for pathogenic variants in this gene.

Mayo Clinic Laboratories, Mayo Clinic
Classification: Likely benign. Last evaluated: 2025-01-14. Review status: criteria provided, single submitter. Criteria: ACMG Guidelines, 2015. Collection method: clinical testing. Allele origin: germline. Observed: 4 variant alleles.
Comment: BS1, BP4_moderate

ARUP Laboratories, Molecular Genetics and Genomics, ARUP Laboratories
Classification: Uncertain significance for Charcot-Marie-Tooth disease type 4H. Last evaluated: 2024-12-19. Review status: criteria provided, single submitter. Criteria: ARUP Molecular Germline Variant Investigation Process 2024. Collection method: clinical testing. Allele origin: germline.
Comment: The FGD4 c.2149G>A; p.Val717Met variant (rs61753359) is reported in the literature in a large Charcot-Marie-Tooth disease cohort, but without clear association with disease (Volodarsky 2021). This variant is also reported in ClinVar (Variation ID: 188373), and is found in the general population with an overall allele frequency of 0.12% (353/282640 alleles) in the Genome Aggregation Database. The valine at codon 717 is moderately conserved, and computational analyses predict that this variant is neutral (REVEL: 0.125). Due to limited information, the clinical significance of this variant is uncertain at this time. References: Volodarsky M et al. Comprehensive genetic sequence and copy number analysis for Charcot-Marie-Tooth disease in a Canadian cohort of 2517 patients. J Med Genet. 2021 Apr;58(4):284-288. PMID: 32376792.

Ambry Genetics
Classification: Uncertain significance for Inborn genetic diseases. Last evaluated: 2021-09-13. Review status: criteria provided, single submitter. Criteria: Ambry Variant Classification Scheme 2023. Collection method: clinical testing. Allele origin: germline.
Comment: The p.V717M variant (also known as c.2149G>A), located in coding exon 15 of the FGD4 gene, results from a G to A substitution at nucleotide position 2149. The valine at codon 717 is replaced by methionine, an amino acid with highly similar properties. This amino acid position is well conserved in available vertebrate species. In addition, this alteration is predicted to be tolerated by in silico analysis. Since supporting evidence is limited at this time, the clinical significance of this alteration remains unclear.

Department of Pathology and Laboratory Medicine, Sinai Health System
Classification: Uncertain significance for Charcot-Marie-Tooth disease type 4H. Last evaluated: 2021-09-01. Review status: criteria provided, single submitter. Criteria: ACMG Guidelines, 2015. Collection method: research. Allele origin: germline.

GeneDx
Classification: Likely benign. Last evaluated: 2020-09-14. Review status: criteria provided, single submitter. Criteria: GeneDx Variant Classification Process June 2021. Collection method: clinical testing. Allele origin: germline. Affected: yes.
Comment: This variant is associated with the following publications: (PMID: 21376300, 32376792)

Illumina Laboratory Services, Illumina
Classification: Uncertain significance for Charcot-Marie-Tooth disease type 4H. Last evaluated: 2017-04-27. Review status: criteria provided, single submitter. Criteria: ICSL Variant Classification Criteria 13 December 2019. Collection method: clinical testing. Allele origin: germline.

Eurofins Ntd Llc (ga)
Classification: Uncertain significance. Last evaluated: 2017-02-09. Review status: criteria provided, single submitter. Criteria: EGL Classification Definitions 2015. Collection method: clinical testing. Allele origin: germline. Observed: 1 variant allele, 1 heterozygote.

PreventionGenetics, part of Exact Sciences
Classification: Likely benign for FGD4-related condition. Last evaluated: 2024-01-03. Review status: no assertion criteria provided. Collection method: clinical testing. Allele origin: germline. Not counted in ClinVar's aggregate classification.
Comment: This variant is classified as likely benign based on ACMG/AMP sequence variant interpretation guidelines (Richards et al. 2015 PMID: 25741868, with internal and published modifications).

Clinical Genetics DNA and cytogenetics Diagnostics Lab, Erasmus MC, Erasmus Medical Center
Classification: Uncertain significance. Review status: no assertion criteria provided. Collection method: clinical testing. Allele origin: germline. Affected: yes. Study: VKGL Data-share Consensus. Not counted in ClinVar's aggregate classification.

Clinical Genetics, Academic Medical Center
Classification: Uncertain significance. Review status: no assertion criteria provided. Collection method: clinical testing. Allele origin: germline. Affected: yes. Study: VKGL Data-share Consensus. Not counted in ClinVar's aggregate classification.

Literature cited by the submitters: PubMed 21376300 (cited by Athena Diagnostics); PubMed 38255008 (cited by Athena Diagnostics); PubMed 32376792 (cited by Athena Diagnostics and Mayo Clinic Laboratories, Mayo Clinic); PubMed 27582484 (cited by Athena Diagnostics); PubMed 33305042 (cited by Athena Diagnostics).

NM_001370298.3(FGD4):c.2560G>A (p.Val854Met)

Gene: FGD4 (FYVE, RhoGEF and PH domain containing 4; plus strand). Cytogenetic location: 12p11.21.
Variant type: single nucleotide variant.
Coding change: c.2560G>A on transcript NM_001370298.3 (MANE Select); coding-DNA position 2560, G replaced by A.
Protein change: p.Val854Met; replaces valine 854 with methionine.
Molecular consequence: missense variant.
Genome position (GRCh38, 1-based): chr12:32,640,381, G>A. VCF-style: chr12-32640381-G-A. GRCh37 (hg19) VCF-style: chr12-32793315-G-A.
Other names: c.2404G>A, p.Val802Met (NM_001304481.2); c.1117G>A, p.Val373Met (NM_001304484.2); c.1870G>A, p.Val624Met (NM_001330373.2, NM_001330374.2, NM_001384130.1); c.1597G>A, p.Val533Met (NM_001370297.1); c.2560G>A, p.Val854Met (NM_001384126.1); c.2149G>A, p.Val717Met (NM_001384127.1, NM_001384128.1, NM_001385118.1 and 1 more transcripts); short protein forms V717M, V802M, V373M, V533M, V624M, V854M.
Identifiers: ClinVar variation 188373 (VCV000188373.80), dbSNP rs61753359, ClinGen allele CA346827.